The following is an entry in ClinVar:

ClinVar aggregate classification (germline): Conflicting classifications of pathogenicity. Review status: criteria provided, conflicting classifications (1 of 4 stars). 4 submissions from 4 submitters: Uncertain significance (3); Likely benign (1). Last evaluated 2025-12-19.

Conditions:
Nephronophthisis. Also called: Juvenile Nephronophthisis. Identifiers: Orphanet 655, MedGen C0687120, MONDO:0019005, HP:0000090.
Inborn genetic diseases. Identifiers: MedGen C0950123, MeSH D030342.
Nephronophthisis 4 (NPHP4). Also called: NEPHRONOPHTHISIS 4, JUVENILE. Identifiers: Orphanet 655, MedGen C1847013, MONDO:0011752, OMIM 606966.
Senior-Loken syndrome 4 (SLSN4). Identifiers: Orphanet 3156, MedGen C1846979, MONDO:0011756, OMIM 606996.

Allele frequency attached by ClinVar (database versions not stated): gnomAD 0.00002; gnomAD exomes 0.00002; TOPMed 0.00002; ExAC 0.00004.
gnomAD v4.1: 14 of 1,551,104 alleles (0.0009%); highest among the groups gnomAD compares: East Asian, 0.034%; no homozygotes.

Submissions (4):

Labcorp Genetics (formerly Invitae), Labcorp
Classification: Uncertain significance for Nephronophthisis. Last evaluated: 2025-12-19. Review status: criteria provided, single submitter. Criteria: Invitae Variant Classification Sherloc (09022015). Collection method: clinical testing. Allele origin: germline.
Comment: This sequence change replaces aspartic acid, which is acidic and polar, with asparagine, which is neutral and polar, at codon 141 of the NPHP4 protein (p.Asp141Asn). This variant is present in population databases (rs763993912, gnomAD 0.03%). This variant has not been reported in the literature in individuals affected with NPHP4-related conditions. ClinVar contains an entry for this variant (Variation ID: 1013963). Invitae Evidence Modeling of protein sequence and biophysical properties (such as structural, functional, and spatial information, amino acid conservation, physicochemical variation, residue mobility, and thermodynamic stability) indicates that this missense variant is not expected to disrupt NPHP4 protein function with a negative predictive value of 80%. In summary, the available evidence is currently insufficient to determine the role of this variant in disease. Therefore, it has been classified as a Variant of Uncertain Significance.

Fulgent Genetics
Classification: Uncertain significance for Nephronophthisis 4; Senior-Loken syndrome 4. Last evaluated: 2024-06-03. Review status: criteria provided, single submitter. Criteria: ACMG Guidelines, 2015. Collection method: clinical testing. Allele origin: germline.

Blueprint Genetics
Classification: Uncertain significance. Last evaluated: 2024-03-22. Review status: criteria provided, single submitter. Criteria: ACMG Guidelines, 2015. Collection method: clinical testing. Allele origin: germline.

Ambry Genetics
Classification: Likely benign for Inborn genetic diseases. Last evaluated: 2023-03-24. Review status: criteria provided, single submitter. Criteria: Ambry Variant Classification Scheme 2023. Collection method: clinical testing. Allele origin: germline.

NM_015102.5(NPHP4):c.421G>A (p.Asp141Asn)

Gene: NPHP4 (nephrocystin 4; minus strand). Cytogenetic location: 1p36.31.
Variant type: single nucleotide variant.
Coding change: c.421G>A on transcript NM_015102.5 (MANE Select); coding-DNA position 421, G replaced by A.
Protein change: p.Asp141Asn; replaces aspartic acid 141 with asparagine.
Molecular consequence: missense variant. On other transcripts: 5 prime UTR variant (2), non-coding transcript variant (1).
Genome position (GRCh38, 1-based): chr1:5,969,118, C>T on the plus strand (G>A on the coding strand, the complement: NPHP4 is on the minus strand). VCF-style: chr1-5969118-C-T. GRCh37 (hg19) VCF-style: chr1-6029178-C-T.
Other names: c.421G>A (NM_015102.3); c.-809G>A (NM_001291593.2); c.-946G>A (NM_001291594.2); short protein forms D141N.
Identifiers: ClinVar variation 1013963 (VCV001013963.12), dbSNP rs763993912, ClinGen allele CA554856.